The following is an entry in ClinVar:

ClinVar aggregate classification (germline): Uncertain significance (1 of 4 stars; one submission).

Allele frequency attached by ClinVar (database versions not stated): gnomAD exomes below 0.00001.
gnomAD v4.1: 1 of 1,614,146 alleles (0.000062%); highest among the groups gnomAD compares: Admixed American, 0.0017%; no homozygotes.

Submission:

Labcorp Genetics (formerly Invitae), Labcorp
Classification: Uncertain significance. Last evaluated: 2021-09-14. Review status: criteria provided, single submitter. Criteria: Invitae Variant Classification Sherloc (09022015). Collection method: clinical testing. Allele origin: germline.
Comment: This sequence change replaces leucine with methionine at codon 582 of the AHR protein (p.Leu582Met). The leucine residue is highly conserved and there is a small physicochemical difference between leucine and methionine. This variant is not present in population databases (ExAC no frequency). This variant has not been reported in the literature in individuals affected with AHR-related conditions. Algorithms developed to predict the effect of missense changes on protein structure and function are either unavailable or do not agree on the potential impact of this missense change (SIFT: "Tolerated"; PolyPhen-2: "Probably Damaging"; Align-GVGD: "Class C0"). In summary, the available evidence is currently insufficient to determine the role of this variant in disease. Therefore, it has been classified as a Variant of Uncertain Significance.

NM_001621.5(AHR):c.1744C>A (p.Leu582Met)

Gene: AHR (aryl hydrocarbon receptor; plus strand). Cytogenetic location: 7p21.1.
Variant type: single nucleotide variant.
Coding change: c.1744C>A on transcript NM_001621.5 (MANE Select); coding-DNA position 1744, C replaced by A.
Protein change: p.Leu582Met; replaces leucine 582 with methionine.
Molecular consequence: missense variant.
Genome position (GRCh38, 1-based): chr7:17,339,569, C>A. VCF-style: chr7-17339569-C-A. GRCh37 (hg19) VCF-style: chr7-17379193-C-A.
Other names: short protein forms L582M.
Identifiers: ClinVar variation 1504941 (VCV001504941.6), dbSNP rs1782395996, ClinGen allele CA366895095.